The following is an entry in ClinVar:

NM_015308.5(FNBP4):c.769C>G (p.Gln257Glu)

Gene: FNBP4 (formin binding protein 4; minus strand). Cytogenetic location: 11p11.2.
Variant type: single nucleotide variant.
Coding change: c.769C>G on transcript NM_015308.5 (MANE Select); coding-DNA position 769, C replaced by G.
Protein change: p.Gln257Glu; replaces glutamine 257 with glutamic acid.
Molecular consequence: missense variant.
Genome position (GRCh38, 1-based): chr11:47,751,159, G>C on the plus strand (C>G on the coding strand, the complement: FNBP4 is on the minus strand). VCF-style: chr11-47751159-G-C. GRCh37 (hg19) VCF-style: chr11-47772711-G-C.
Other names: c.775C>G, p.Gln259Glu (NM_001318339.4); short protein forms Q259E, Q257E.
Identifiers: ClinVar variation 780051 (VCV000780051.29), dbSNP rs148965139, ClinGen allele CA5980101.

ClinVar aggregate classification (germline): Benign. Review status: criteria provided, multiple submitters, no conflicts (2 of 4 stars). 3 submissions from 3 submitters: Benign (3). Last evaluated 2022-10-01.

Allele frequency attached by ClinVar (database versions not stated): 1000 Genomes Project 30x 0.00219; 1000 Genomes Project 0.00240; TOPMed 0.00342; ExAC 0.00434; gnomAD 0.00446 and 0.00460; gnomAD exomes 0.00449 and 0.00540; ESP Exome Variant Server 0.00476.
gnomAD v4.1: 8,554 of 1,614,098 alleles (0.53%); highest among the groups gnomAD compares: Non-Finnish European, 0.58%; 28 homozygotes.

Submissions (3):

CeGaT Center for Human Genetics Tuebingen
Classification: Benign. Last evaluated: 2022-10-01. Review status: criteria provided, single submitter. Criteria: CeGaT Center For Human Genetics Tuebingen Variant Classification Criteria Version 2. Collection method: clinical testing. Allele origin: germline. Affected: yes. Observed: 1 variant allele.
Comment: FNBP4: BS1, BS2

Labcorp Genetics (formerly Invitae), Labcorp
Classification: Benign. Last evaluated: 2019-12-31. Review status: criteria provided, single submitter. Criteria: Invitae Variant Classification Sherloc (09022015). Collection method: clinical testing. Allele origin: germline.

Breakthrough Genomics
Classification: Benign. Review status: criteria provided, single submitter. Criteria: ACMG Guidelines, 2015. Collection method: not provided. Allele origin: germline. Inheritance: Unknown mechanism. Affected: yes.